The following is an entry in ClinVar:

ClinVar aggregate classification (germline): Pathogenic (1 of 4 stars; one submission).

Conditions:
Legius syndrome. Identifiers: Orphanet 137605, MedGen C1969623, MONDO:0012669, OMIM 611431. Disease mechanism: loss of function.

Submission:

Victorian Clinical Genetics Services, Murdoch Childrens Research Institute
Classification: Pathogenic for Legius syndrome. Last evaluated: 2024-10-11. Review status: criteria provided, single submitter. Criteria: ACMG Guidelines, 2015. Collection method: clinical testing. Allele origin: germline. Inheritance: Autosomal dominant inheritance. Affected: yes.
Comment: Based on the classification scheme VCGS_Germline_v1.3.5, this variant is classified as Pathogenic. Following criteria are met: 0102 - Loss of function is a known mechanism of disease in this gene and is associated with Legius syndrome (MIM#611431). (I) 0107 - This gene is associated with autosomal dominant disease. (I) 0115 - Variants in this gene are known to have variable expressivity (PMID: 20945555). (I) 0201 - Variant is predicted to cause nonsense-mediated decay (NMD) and loss of protein (premature termination codon is located at least 54 nucleotides upstream of the final exon-exon junction). (SP) 0251 - This variant is heterozygous. (I) 0301 - Variant is absent from gnomAD (v2, v3 and v4). (SP) 0701 - Other NMD-predicted variants comparable to the one identified in this case have very strong previous evidence for pathogenicity. Many NMD-predicted variants have been reported pathogenic/likely pathogenic (ClinVar). (SP) 0807 - This variant has no previous evidence of pathogenicity. (I) 0905 - No published segregation evidence has been identified for this variant. (I) 1007 - No published functional evidence has been identified for this variant. (I) Legend: (SP) - Supporting pathogenic, (I) - Information, (SB) - Supporting benign

Literature cited by the submitters: PubMed 20945555.

NM_152594.3(SPRED1):c.413_414dup (p.Asp139fs)

Gene: SPRED1 (sprouty related EVH1 domain containing 1; plus strand). Cytogenetic location: 15q14.
Variant type: Duplication.
Coding change: c.413_414dup on transcript NM_152594.3 (MANE Select); coding-DNA positions 413 to 414, 2 bases duplicated (AT; older notation c.413_414dupAT).
Protein change: p.Asp139fs; shifts the reading frame from aspartic acid 139.
Molecular consequence: frameshift variant.
Genome position (GRCh38, 1-based): chr15:38,324,799-38,324,800, AT duplicated. VCF-style (leftmost placement, unchanged base first): chr15-38324798-G-GAT. GRCh37 (hg19) VCF-style: chr15-38616999-G-GAT.
Other names: short protein forms D139fs.
Identifiers: ClinVar variation 3376560 (VCV003376560.1).